The following is an entry in ClinVar:

ClinVar aggregate classification (germline): Pathogenic (0 of 4 stars; one submission).

Conditions:
Fanconi anemia complementation group G. Also called: FANCG-Related Fanconi Anemia; Fanconi anemia group G. Identifiers: Orphanet 84, MedGen C3469527, MONDO:0013565, OMIM 614082.

Submission:

Leiden Open Variation Database
Classification: Pathogenic for Fanconi anemia complementation group G. Last evaluated: 2020-02-28. Review status: no assertion criteria provided. Collection method: curation. Allele origin: germline. Affected: yes.
Comment: Curator: Arleen D. Auerbach. Submitter to LOVD: Arleen D. Auerbach.

Literature cited by the submitters: PubMed 22778927.

NM_004629.2(FANCG):c.307+2del

Gene: FANCG (FA complementation group G; minus strand). Cytogenetic location: 9p13.3.
Variant type: Deletion.
Coding change: c.307+2del on transcript NM_004629.2 (MANE Select); the canonical splice donor site of the intron after coding-DNA position 307, one base deleted (T; older notation c.307+2delT).
Molecular consequence: splice donor variant.
Genome position (GRCh38, 1-based): chr9:35,078,603, A deleted on the plus strand (T on the coding strand, the reverse complement: FANCG is on the minus strand). VCF-style (leftmost placement, unchanged base first): chr9-35078602-CA-C. GRCh37 (hg19) VCF-style: chr9-35078599-CA-C.
Identifiers: ClinVar variation 929680 (VCV000929680.1), dbSNP rs1829128546, ClinGen allele CA1139660972.